The following is an entry in ClinVar:

NM_006516.4(SLC2A1):c.18+18G>T

Genes: SLC2A1 (solute carrier family 2 member 1; minus strand), LOC129930369 (ATAC-STARR-seq lymphoblastoid silent region 772; plus strand). Cytogenetic location: 1p34.2.
Variant type: single nucleotide variant.
Coding change: c.18+18G>T on transcript NM_006516.4 (MANE Select); 18 bases into the intron after coding-DNA position 18, G replaced by T.
Molecular consequence: intron variant.
Genome position (GRCh38, 1-based): chr1:42,958,616, C>A on the plus strand (G>T on the coding strand, the complement: SLC2A1 is on the minus strand). VCF-style: chr1-42958616-C-A. GRCh37 (hg19) VCF-style: chr1-43424287-C-A.
Identifiers: ClinVar variation 2635446 (VCV002635446.1), dbSNP rs1010245303, ClinGen allele CA1165424410.

ClinVar aggregate classification (germline): Uncertain significance (1 of 4 stars; one submission).

Conditions:
SLC2A1-related disorder. Also called: SLC2A1-related condition; SLC2A1-related disorders.

Submission:

PreventionGenetics, part of Exact Sciences
Classification: Uncertain significance for SLC2A1-related condition. Last evaluated: 2022-12-12. Review status: criteria provided, single submitter. Criteria: ACMG Guidelines, 2015. Collection method: clinical testing. Allele origin: germline.
Comment: The SLC2A1 c.18+18G>T variant is predicted to interfere with splicing. To our knowledge, this variant has not been reported in the literature or in a large population database, indicating this variant is rare. However, the use of computer prediction programs is not equivalent to functional evidence, and therefore the clinical significance of this variant is uncertain.